The following is an entry in ClinVar:

ClinVar aggregate classification (germline): Uncertain significance (1 of 4 stars; one submission).

Submission:

GeneDx
Classification: Uncertain significance. Last evaluated: 2024-03-24. Review status: criteria provided, single submitter. Criteria: GeneDx Variant Classification Process June 2021. Collection method: clinical testing. Allele origin: germline. Affected: yes.
Comment: Not observed at significant frequency in large population cohorts (gnomAD); In silico analysis supports that this missense variant has a deleterious effect on protein structure/function; Has not been previously published as pathogenic or benign to our knowledge

NM_138691.3(TMC1):c.2036A>G (p.Glu679Gly)

Gene: TMC1 (transmembrane channel like 1; plus strand). Cytogenetic location: 9q21.13.
Variant type: single nucleotide variant.
Coding change: c.2036A>G on transcript NM_138691.3 (MANE Select); coding-DNA position 2036, A replaced by G.
Protein change: p.Glu679Gly; replaces glutamic acid 679 with glycine.
Molecular consequence: missense variant.
Genome position (GRCh38, 1-based): chr9:72,826,901, A>G. VCF-style: chr9-72826901-A-G. GRCh37 (hg19) VCF-style: chr9-75441817-A-G.
Other names: short protein forms E679G.
Identifiers: ClinVar variation 3371184 (VCV003371184.1).